The following is an entry in ClinVar:

NM_002206.3(ITGA7):c.260G>A (p.Arg87His)

Gene: ITGA7 (integrin subunit alpha 7; minus strand). Cytogenetic location: 12q13.2.
Variant type: single nucleotide variant.
Coding change: c.260G>A on transcript NM_002206.3 (MANE Select); coding-DNA position 260, G replaced by A.
Protein change: p.Arg87His; replaces arginine 87 with histidine.
Molecular consequence: missense variant. On other transcripts: 5 prime UTR variant (3), intron variant (1).
Genome position (GRCh38, 1-based): chr12:55,703,125, C>T on the plus strand (G>A on the coding strand, the complement: ITGA7 is on the minus strand). VCF-style: chr12-55703125-C-T. GRCh37 (hg19) VCF-style: chr12-56096909-C-T.
Other names: c.260G>A, p.Arg87His (NM_001144996.2, NM_001374465.1, NM_001410977.1 and 6 more transcripts); c.-80G>A (NM_001367993.1, NM_001414035.1); c.-913G>A (NM_001367994.1); c.86-1709G>A (NM_001144997.2); short protein forms R87H.
Identifiers: ClinVar variation 852588 (VCV000852588.14), dbSNP rs775800333, ClinGen allele CA6616407.
Genomic context (GRCh38, chr12:55,703,125, plus strand): 5'-TCCACTCTGTAGCAGTCAGTCTCCTCCAGGCTCAACGGGCAAGCGAAGAGGCCTCCAGTG[C>T]GATTCGCCTGCTGCCCAGGAAGAGCCAGGGCCTGGGGAGCACCCACCAGCAGCCTGCAAG-3'
Protein context (NP_002197.2, residues 77-97): ALALPGQQAN[Arg87His]TGGLFACPLS

ClinVar aggregate classification (germline): Uncertain significance. Review status: criteria provided, multiple submitters, no conflicts (2 of 4 stars). 4 submissions from 4 submitters: Uncertain significance (4). Last evaluated 2025-12-29.

Conditions:
Congenital muscular dystrophy due to integrin alpha-7 deficiency. Also called: MYOPATHY, CONGENITAL, DUE TO INTEGRIN ALPHA-7 DEFICIENCY; Congenital muscular dystrophy with integrin alpha-7 deficiency; Muscular dystrophy, congenital, due to ITGA7 deficiency. Identifiers: Orphanet 34520, MedGen C2750786, MONDO:0013177, OMIM 613204.

Allele frequency attached by ClinVar (database versions not stated): TOPMed 0.00003; gnomAD 0.00004 and 0.00007; gnomAD exomes 0.00011 and 0.00018; ExAC 0.00018.
gnomAD v4.1: 174 of 1,613,590 alleles (0.011%); highest among the groups gnomAD compares: South Asian, 0.1%; 1 homozygote.

Submissions (4):

GeneDx
Classification: Uncertain significance. Last evaluated: 2025-12-29. Review status: criteria provided, single submitter. Criteria: GeneDx Variant Classification Process June 2021. Collection method: clinical testing. Allele origin: germline. Affected: yes.
Comment: In silico analysis supports that this missense variant has a deleterious effect on protein structure/function; Has not been previously published as pathogenic or benign to our knowledge

Revvity Omics, Revvity
Classification: Uncertain significance for Congenital muscular dystrophy due to integrin alpha-7 deficiency. Last evaluated: 2022-11-29. Review status: criteria provided, single submitter. Criteria: ACMG Guidelines, 2015. Collection method: clinical testing. Allele origin: germline.

Ambry Genetics
Classification: Uncertain significance. Last evaluated: 2022-10-27. Review status: criteria provided, single submitter. Criteria: Ambry Variant Classification Scheme 2023. Collection method: clinical testing. Allele origin: germline.

Labcorp Genetics (formerly Invitae), Labcorp
Classification: Uncertain significance for Congenital muscular dystrophy due to integrin alpha-7 deficiency. Last evaluated: 2022-07-11. Review status: criteria provided, single submitter. Criteria: Invitae Variant Classification Sherloc (09022015). Collection method: clinical testing. Allele origin: germline.
Comment: This sequence change replaces arginine, which is basic and polar, with histidine, which is basic and polar, at codon 87 of the ITGA7 protein (p.Arg87His). This variant is present in population databases (rs775800333, gnomAD 0.1%). This variant has not been reported in the literature in individuals affected with ITGA7-related conditions. ClinVar contains an entry for this variant (Variation ID: 852588). Algorithms developed to predict the effect of missense changes on protein structure and function are either unavailable or do not agree on the potential impact of this missense change (SIFT: "Tolerated"; PolyPhen-2: "Possibly Damaging"; Align-GVGD: "Class C0"). In summary, the available evidence is currently insufficient to determine the role of this variant in disease. Therefore, it has been classified as a Variant of Uncertain Significance.